The following is an entry in ClinVar:

ClinVar aggregate classification (germline): Pathogenic (1 of 4 stars; one submission).

Conditions:
Neurofibromatosis, type 1 (NF1). Also called: VON RECKLINGHAUSEN DISEASE; NEUROFIBROMATOSIS, TYPE I, SOMATIC; Peripheral type neurofibromatosis; Neurofibromatosis, type I. Identifiers: Orphanet 636, MedGen C0027831, MONDO:0018975, OMIM 162200. Disease mechanism: loss of function.

Submission:

Labcorp Genetics (formerly Invitae), Labcorp
Classification: Pathogenic for Neurofibromatosis, type 1. Last evaluated: 2023-09-17. Review status: criteria provided, single submitter. Criteria: Invitae Variant Classification Sherloc (09022015). Collection method: clinical testing. Allele origin: germline.
Comment: This sequence change creates a premature translational stop signal (p.Asn839Lysfs*2) in the NF1 gene. It is expected to result in an absent or disrupted protein product. Loss-of-function variants in NF1 are known to be pathogenic (PMID: 10712197, 23913538). This variant is not present in population databases (gnomAD no frequency). This variant has not been reported in the literature in individuals affected with NF1-related conditions. Algorithms developed to predict the effect of sequence changes on RNA splicing suggest that this variant may create or strengthen a splice site. For these reasons, this variant has been classified as Pathogenic.

Literature cited by the submitters: PubMed 10712197; PubMed 23913538.

NM_001042492.3(NF1):c.2517del (p.Asn839fs)

Gene: NF1 (neurofibromin 1; plus strand). Cytogenetic location: 17q11.2.
Variant type: Deletion.
Coding change: c.2517del on transcript NM_001042492.3 (MANE Select); coding-DNA position 2517, one base deleted (C; older notation c.2517delC).
Protein change: p.Asn839fs; shifts the reading frame from asparagine 839.
Molecular consequence: frameshift variant.
Genome position (GRCh38, 1-based): chr17:31,229,132, C deleted. VCF-style (leftmost placement, unchanged base first): chr17-31229131-AC-A. GRCh37 (hg19) VCF-style: chr17-29556149-AC-A.
Other names: c.2517delC, p.Asn839Lysfs (NM_000267.4); short protein forms N839fs.
Identifiers: ClinVar variation 2761277 (VCV002761277.3), dbSNP rs2508183246, ClinGen allele CA2697559727.